The following is an entry in ClinVar:

ClinVar aggregate classification (germline): Likely pathogenic. Review status: criteria provided, single submitter (1 of 4 stars). 2 submissions from 2 submitters: Likely pathogenic (1). 1 of the submissions does not count toward it. Last evaluated 2017-01-18.

Conditions:
Intellectual developmental disorder, X-linked, syndromic, Turner type. Also called: Intellectual disability, X-linked syndromic, Turner type; X-linked intellectual disability, Turner type. Identifiers: Orphanet 3056, Orphanet 85328, MedGen C2678046, MONDO:0010407, OMIM 309590.

Submissions (2):

Center for Medical Genetics and Molecular Medicine, Haukeland University Hospital
Classification: Likely pathogenic for Intellectual developmental disorder, X-linked, syndromic, Turner type. Last evaluated: 2017-01-18. Review status: criteria provided, single submitter. Criteria: ACMG Guidelines, 2015. Collection method: clinical testing. Allele origin: de novo. Inheritance: X-linked inheritance. Affected: no. Observed: 1 variant allele.
Comment: ACMG evidence: PS(1), PM(1), PP(2)

OMIM
Classification: Pathogenic for INTELLECTUAL DEVELOPMENTAL DISORDER, X-LINKED, SYNDROMIC, TURNER TYPE. Last evaluated: 2021-08-20. Review status: no assertion criteria provided. Collection method: literature only. Allele origin: germline. Not counted in ClinVar's aggregate classification.

Literature cited by the submitters: PubMed 29180823 (cited by OMIM).

NM_031407.7(HUWE1):c.1978G>A (p.Gly660Arg)

Gene: HUWE1 (HECT, UBA and WWE domain containing E3 ubiquitin protein ligase 1; minus strand). Cytogenetic location: Xp11.22.
Variant type: single nucleotide variant.
Coding change: c.1978G>A on transcript NM_031407.7 (MANE Select); coding-DNA position 1978, G replaced by A.
Protein change: p.Gly660Arg; replaces glycine 660 with arginine.
Molecular consequence: missense variant.
Genome position (GRCh38, 1-based): chrX:53,615,815, C>T on the plus strand (G>A on the coding strand, the complement: HUWE1 is on the minus strand). VCF-style: chrX-53615815-C-T. GRCh37 (hg19) VCF-style: chrX-53642776-C-T.
Other names: short protein forms G660R.
Identifiers: ClinVar variation 375712 (VCV000375712.5), dbSNP rs1557006903, ClinGen allele CA413147315.
Genomic context (GRCh38, chrX:53,615,815, plus strand): 5'-CAGTCGTTGCATCTGTTTTAAGGGTGGGCTGATGTCTCATGAGCTCATCGACAGCACTCC[C>T]CAGGTTGGATGCAGTATCCCCTTAAGGCAAAAAATGAACTGTTAGAATTAGAAAGACTGA-3'
Protein context (NP_113584.3, residues 650-670): DPLGDTASNL[Gly660Arg]SAVDELMRHQ